The following is an entry in ClinVar:

NM_005359.6(SMAD4):c.1349_1376dup (p.Ala460fs)

Gene: SMAD4 (SMAD family member 4; plus strand). Cytogenetic location: 18q21.2.
Variant type: Duplication.
Coding change: c.1349_1376dup on transcript NM_005359.6 (MANE Select); coding-DNA positions 1349 to 1376, 28 bases duplicated (AGGCGGCTACTGCACAAGCTGCAGCAGC).
Protein change: p.Ala460fs; shifts the reading frame from alanine 460.
Molecular consequence: frameshift variant.
Genome position (GRCh38, 1-based): chr18:51,076,678-51,076,705, AGGCGGCTACTGCACAAGCTGCAGCAGC duplicated; duplicating any 28 consecutive bases within chr18:51,076,669-51,076,705 gives the same sequence; the c. name uses the placement nearest the transcript's 3' end. VCF-style (leftmost placement, unchanged base first): chr18-51076668-A-ATGCAGCAGCAGGCGGCTACTGCACAAGC. GRCh37 (hg19) VCF-style: chr18-48603038-A-ATGCAGCAGCAGGCGGCTACTGCACAAGC.
Other names: c.1349_1376dupAGGCGGCTACTGCACAAGCTGCAGCAGC (NM_005359.5); short protein forms A460fs.
Identifiers: ClinVar variation 233900 (VCV000233900.19), dbSNP rs876660720, ClinGen allele CA10580987.

ClinVar aggregate classification (germline): Pathogenic/Likely pathogenic. Review status: criteria provided, multiple submitters, no conflicts (2 of 4 stars). 4 submissions from 4 submitters: Pathogenic (3); Likely pathogenic (1). Last evaluated 2025-04-01.

Conditions:
Hereditary cancer-predisposing syndrome. Also called: Neoplastic Syndromes, Hereditary; Hereditary Cancer Syndrome; Tumor predisposition; Hereditary neoplastic syndrome. Identifiers: Orphanet 140162, MedGen C0027672, MeSH D009386, MONDO:0015356.
Familial thoracic aortic aneurysm and aortic dissection (TAAD). Also called: Thoracic aortic aneurysms and dissections. Identifiers: Orphanet 91387, MedGen C4707243, MONDO:0019625.
Juvenile polyposis syndrome (JPS). Identifiers: Orphanet 2929, MedGen C0345893, MONDO:0017380, OMIM 174900.
Juvenile polyposis/hereditary hemorrhagic telangiectasia syndrome (JPHT). Also called: POLYPOSIS, GENERALIZED JUVENILE, WITH PULMONARY ARTERIOVENOUS MALFORMATION; TELANGIECTASIA, HEREDITARY HEMORRHAGIC, WITH JUVENILE POLYPOSIS COLI; Juvenile Polyposis Syndrome / Hereditary Hemorrhagic Telangiectasia (JPS/HHT); JP/HHT SYNDROME; JUVENILE POLYPOSIS WITH HEREDITARY HEMORRHAGIC TELANGIECTASIA. Identifiers: Orphanet 2929, MedGen C1832942, MONDO:0008278, OMIM 175050.

Submissions (4):

CeGaT Center for Human Genetics Tuebingen
Classification: Pathogenic. Last evaluated: 2025-04-01. Review status: criteria provided, single submitter. Criteria: CeGaT Center For Human Genetics Tuebingen Variant Classification Criteria Version 2. Collection method: clinical testing. Allele origin: germline. Affected: yes. Observed: 1 variant allele.
Comment: SMAD4: PVS1, PM2, PS4:Supporting

Myriad Genetics, Inc.
Classification: Pathogenic for Juvenile polyposis/hereditary hemorrhagic telangiectasia syndrome. Last evaluated: 2025-01-16. Review status: criteria provided, single submitter. Criteria: Myriad Autosomal Dominant, Autosomal Recessive and X-Linked Classification Criteria (2023). Collection method: clinical testing. Allele origin: unknown.
Comment: This variant is considered pathogenic. This variant creates a frameshift predicted to result in premature protein truncation.

Labcorp Genetics (formerly Invitae), Labcorp
Classification: Pathogenic for Juvenile polyposis syndrome. Last evaluated: 2021-07-19. Review status: criteria provided, single submitter. Criteria: Invitae Variant Classification Sherloc (09022015). Collection method: clinical testing. Allele origin: germline.
Comment: This sequence change creates a premature translational stop signal (p.Ala460Glyfs*43) in the SMAD4 gene. While this is not anticipated to result in nonsense mediated decay, it is expected to disrupt the last 93 amino acid(s) of the SMAD4 protein. For these reasons, this variant has been classified as Pathogenic. This variant disrupts a region of the SMAD4 protein in which other variant(s) (p.Glu538*) have been determined to be pathogenic (Invitae). This suggests that this is a clinically significant region of the protein, and that variants that disrupt it are likely to be disease-causing. ClinVar contains an entry for this variant (Variation ID: 233900). This variant has not been reported in the literature in individuals affected with SMAD4-related conditions. This variant is not present in population databases (ExAC no frequency).

Ambry Genetics
Classification: Likely pathogenic for Hereditary cancer-predisposing syndrome; Familial thoracic aortic aneurysm and aortic dissection. Last evaluated: 2019-05-03. Review status: criteria provided, single submitter. Criteria: Ambry Variant Classification Scheme 2023. Collection method: clinical testing. Allele origin: germline.
Comment: The c.1349_1376dup28 variant, located in coding exon 10 of the SMAD4 gene, results from a duplication of AGGCGGCTACTGCACAAGCTGCAGCAGC at nucleotide position 1349, causing a translational frameshift with a predicted alternate stop codon (p.A460Gfs*43). This alteration is expected to result in loss of function by premature protein truncation. Furthermore, based on an internal structural analysis, this variant is anticipated to result in a significant decrease in structural stability (Qin B et al. Structure 1999 Dec;7:12). Based on the majority of available evidence to date, this variant is likely to be pathogenic.